The following is an entry in ClinVar:

NM_001122955.4(BSCL2):c.509A>T (p.Tyr170Phe)

Genes: BSCL2 (BSCL2 lipid droplet biogenesis associated, seipin; minus strand), HNRNPUL2-BSCL2 (HNRNPUL2-BSCL2 readthrough (NMD candidate); minus strand). Cytogenetic location: 11q12.3.
Variant type: single nucleotide variant.
Coding change: c.509A>T on transcript NM_001122955.4 (MANE Select); coding-DNA position 509, A replaced by T.
Protein change: p.Tyr170Phe; replaces tyrosine 170 with phenylalanine.
Molecular consequence: missense variant. On other transcripts: non-coding transcript variant (1).
Genome position (GRCh38, 1-based): chr11:62,694,689, T>A on the plus strand (A>T on the coding strand, the complement: BSCL2 is on the minus strand). VCF-style: chr11-62694689-T-A. GRCh37 (hg19) VCF-style: chr11-62462161-T-A.
Other names: c.509A>T, p.Tyr170Phe (NM_001386028.1, NM_001386027.1); c.317A>T, p.Tyr106Phe (NM_032667.6, NM_001130702.2); short protein forms Y106F, Y170F.
Identifiers: ClinVar variation 2726861 (VCV002726861.3), dbSNP rs1565146036, ClinGen allele CA380966188.

ClinVar aggregate classification (germline): Uncertain significance (1 of 4 stars; one submission).

Conditions:
Charcot-Marie-Tooth disease type 2. Also called: Charcot-Marie-Tooth type 2. Identifiers: Orphanet 64746, MedGen C0270914, MONDO:0018993.

gnomAD v4.1: 3 of 1,614,176 alleles (0.00019%); highest among the groups gnomAD compares: South Asian, 0.0033%; no homozygotes.

Submission:

Labcorp Genetics (formerly Invitae), Labcorp
Classification: Uncertain significance for Charcot-Marie-Tooth disease type 2. Last evaluated: 2023-06-24. Review status: criteria provided, single submitter. Criteria: Invitae Variant Classification Sherloc (09022015). Collection method: clinical testing. Allele origin: germline.
Comment: In summary, the available evidence is currently insufficient to determine the role of this variant in disease. Therefore, it has been classified as a Variant of Uncertain Significance. Advanced modeling of protein sequence and biophysical properties (such as structural, functional, and spatial information, amino acid conservation, physicochemical variation, residue mobility, and thermodynamic stability) performed at Invitae indicates that this missense variant is expected to disrupt BSCL2 protein function. This variant has not been reported in the literature in individuals affected with BSCL2-related conditions. This variant is present in population databases (no rsID available, gnomAD 0.003%). This sequence change replaces tyrosine, which is neutral and polar, with phenylalanine, which is neutral and non-polar, at codon 106 of the BSCL2 protein (p.Tyr106Phe).